The following is an entry in ClinVar:

NM_001401501.2(MUC16):c.43377A>C (p.Thr14459=)

Gene: MUC16 (mucin 16, cell surface associated; minus strand). Cytogenetic location: 19p13.2.
Variant type: single nucleotide variant.
Coding change: c.43377A>C on transcript NM_001401501.2 (MANE Select); coding-DNA position 43377, A replaced by C.
Protein change: p.Thr14459=; no amino-acid change (threonine 14459 retained).
Molecular consequence: synonymous variant.
Genome position (GRCh38, 1-based): chr19:8,888,056, T>G on the plus strand (A>C on the coding strand, the complement: MUC16 is on the minus strand). VCF-style: chr19-8888056-T-G. GRCh37 (hg19) VCF-style: chr19-8998732-T-G.
Other names: c.43803A>C, p.Thr14601= (NM_001414686.1); c.43257A>C, p.Thr14419= (NM_001414687.1); c.40851A>C, p.Thr13617= (NM_024690.2).
Identifiers: ClinVar variation 3034179 (VCV003034179.2), dbSNP rs200861061, ClinGen allele CA305065622.

ClinVar aggregate classification (germline): Likely benign (0 of 4 stars; one submission).

Conditions:
MUC16-related disorder. Also called: MUC16-related condition.

Submission:

PreventionGenetics, part of Exact Sciences
Classification: Likely benign for MUC16-related condition. Last evaluated: 2019-09-18. Review status: no assertion criteria provided. Collection method: clinical testing. Allele origin: germline.
Comment: This variant is classified as likely benign based on ACMG/AMP sequence variant interpretation guidelines (Richards et al. 2015 PMID: 25741868, with internal and published modifications).